The following is an entry in ClinVar:

ClinVar aggregate classification (germline): Uncertain significance. Review status: criteria provided, multiple submitters, no conflicts (2 of 4 stars). 5 submissions from 5 submitters: Uncertain significance (4). 1 of the submissions does not count toward it. Last evaluated 2025-08-07.

Conditions:
Autosomal recessive nonsyndromic hearing loss 66 (DFNB66). Also called: Deafness, autosomal recessive 66. Identifiers: Orphanet 90636, MedGen C1857750, MONDO:0012442, OMIM 610212.
Nephronophthisis 19 (NPHP19). Identifiers: Orphanet 84081, MedGen C4015542, MONDO:0014537, OMIM 616217.
Isolated neonatal sclerosing cholangitis (NSC). Also called: Sclerosing cholangitis, neonatal. Identifiers: Orphanet 480556, MedGen C4479344, MONDO:0018816, OMIM 617394.
DCDC2-related disorder. Also called: DCDC2-related condition.
Inborn genetic diseases. Identifiers: MedGen C0950123, MeSH D030342.

Allele frequency attached by ClinVar (database versions not stated): gnomAD exomes 0.00001; ExAC 0.00002; ESP Exome Variant Server 0.00008; gnomAD 0.00013; TOPMed 0.00027; 1000 Genomes Project 0.00040; 1000 Genomes Project 30x 0.00047.
gnomAD v4.1: 42 of 1,613,794 alleles (0.0026%); highest among the groups gnomAD compares: Admixed American, 0.047%; no homozygotes.

Submissions (5):

Ambry Genetics
Classification: Uncertain significance for Inborn genetic diseases. Last evaluated: 2025-08-07. Review status: criteria provided, single submitter. Criteria: Ambry Variant Classification Scheme 2023. Collection method: clinical testing. Allele origin: germline.

GeneDx
Classification: Uncertain significance. Last evaluated: 2025-06-29. Review status: criteria provided, single submitter. Criteria: GeneDx Variant Classification Process June 2021. Collection method: clinical testing. Allele origin: germline.
Comment: In silico analysis suggests that this missense variant does not alter protein structure/function; Has not been previously published as pathogenic or benign to our knowledge

Fulgent Genetics
Classification: Uncertain significance for Autosomal recessive nonsyndromic hearing loss 66; Nephronophthisis 19; Isolated neonatal sclerosing cholangitis. Last evaluated: 2024-04-10. Review status: criteria provided, single submitter. Criteria: ACMG Guidelines, 2015. Collection method: clinical testing. Allele origin: germline.

Blueprint Genetics
Classification: Uncertain significance. Last evaluated: 2022-07-27. Review status: criteria provided, single submitter. Criteria: ACMG Guidelines, 2015. Collection method: clinical testing. Allele origin: germline.

PreventionGenetics, part of Exact Sciences
Classification: Uncertain significance for DCDC2-related condition. Last evaluated: 2024-01-30. Review status: no assertion criteria provided. Collection method: clinical testing. Allele origin: germline. Not counted in ClinVar's aggregate classification.
Comment: The DCDC2 c.1009G>C variant is predicted to result in the amino acid substitution p.Val337Leu. To our knowledge, this variant has not been reported in the literature. This variant is reported in 0.0085% of alleles in individuals of Latino descent in gnomAD. At this time, the clinical significance of this variant is uncertain due to the absence of conclusive functional and genetic evidence.

NM_016356.5(DCDC2):c.1009G>C (p.Val337Leu)

Gene: DCDC2 (doublecortin domain containing 2; minus strand). Cytogenetic location: 6p22.3.
Variant type: single nucleotide variant.
Coding change: c.1009G>C on transcript NM_016356.5 (MANE Select); coding-DNA position 1009, G replaced by C.
Protein change: p.Val337Leu; replaces valine 337 with leucine.
Molecular consequence: missense variant.
Genome position (GRCh38, 1-based): chr6:24,205,016, C>G on the plus strand (G>C on the coding strand, the complement: DCDC2 is on the minus strand). VCF-style: chr6-24205016-C-G. GRCh37 (hg19) VCF-style: chr6-24205244-C-G.
Other names: c.1009G>C, p.Val337Leu (NM_001195610.2); c.1009G>C (NM_016356.3); short protein forms V337L.
Identifiers: ClinVar variation 2662879 (VCV002662879.7), dbSNP rs187789776, ClinGen allele CA3654543.
Genomic context (GRCh38, chr6:24,205,016, plus strand): 5'-AACACTATAATTGTCTTACACATATTTTTTAAGGCATGGAGATTACCTGATCGACTGGAA[C>G]CTCAACCTGAGTATCTTCATCTTCTTGGACTTCTGCTGCCCCCCGTGTTTCAGACCTCTC-3'
Protein context (NP_057440.2, residues 327-347): VQEDEDTQVE[Val337Leu]PVDQRPAEIV